The following is an entry in ClinVar:

ClinVar aggregate classification (germline): Conflicting classifications of pathogenicity. Review status: criteria provided, conflicting classifications (1 of 4 stars). 8 submissions from 8 submitters: Uncertain significance (5); Likely benign (2). 1 of the submissions does not count toward it. Last evaluated 2025-12-09.

Conditions:
Hereditary cancer-predisposing syndrome. Also called: Neoplastic Syndromes, Hereditary; Hereditary Cancer Syndrome; Hereditary neoplastic syndrome; Tumor predisposition. Identifiers: Orphanet 140162, MedGen C0027672, MeSH D009386, MONDO:0015356.
Hereditary diffuse gastric adenocarcinoma (HDGC). Also called: DIFFUSE GASTRIC AND LOBULAR BREAST CANCER SYNDROME. Identifiers: Orphanet 26106, MedGen C1708349, MONDO:0007648, OMIM 137215.
Familial cancer of breast. Also called: Hereditary breast cancer; hereditary breast carcinoma; BREAST CANCER, FAMILIAL. Identifiers: Orphanet 227535, MedGen C0346153, MONDO:0016419, OMIM 114480. Disease mechanism: loss of function.

Allele frequency attached by ClinVar (database versions not stated): gnomAD 0.00002 and 0.00003; TOPMed 0.00004.
gnomAD v4.1: 20 of 1,614,126 alleles (0.0012%); highest among the groups gnomAD compares: African/African-American, 0.016%; no homozygotes.

Submissions (8):

Labcorp Genetics (formerly Invitae), Labcorp
Classification: Likely benign for Hereditary diffuse gastric adenocarcinoma. Last evaluated: 2025-12-09. Review status: criteria provided, single submitter. Criteria: Invitae Variant Classification Sherloc (09022015). Collection method: clinical testing. Allele origin: germline.

Color Diagnostics, LLC DBA Color Health
Classification: Uncertain significance for Hereditary cancer-predisposing syndrome. Last evaluated: 2025-01-28. Review status: criteria provided, single submitter. Criteria: ACMG Guidelines, 2015. Collection method: clinical testing. Allele origin: germline.
Comment: This missense variant replaces valine with isoleucine at codon 752 of the CDH1 protein. To our knowledge, functional studies have not been reported for this variant. This variant has been reported in an individual affected with breast cancer (PMID: 31871109). This variant has been identified in 2/282890 chromosomes in the general population by the Genome Aggregation Database (gnomAD). The available evidence is insufficient to determine the role of this variant in disease conclusively. Therefore, this variant is classified as a Variant of Uncertain Significance.

Ambry Genetics
Classification: Likely benign for Hereditary cancer-predisposing syndrome. Last evaluated: 2024-02-28. Review status: criteria provided, single submitter. Criteria: Ambry Variant Classification Scheme 2023. Collection method: clinical testing. Allele origin: germline.

Baylor Genetics
Classification: Uncertain significance for Familial cancer of breast. Last evaluated: 2024-02-16. Review status: criteria provided, single submitter. Criteria: ACMG Guidelines, 2015. Collection method: clinical testing. Allele origin: unknown.

Myriad Genetics, Inc.
Classification: Uncertain significance for Hereditary diffuse gastric adenocarcinoma. Last evaluated: 2023-03-06. Review status: criteria provided, single submitter. Criteria: Myriad Autosomal Dominant, Autosomal Recessive and X-Linked Classification Criteria (2023). Collection method: clinical testing. Allele origin: unknown.
Comment: This variant is classified as a variant of uncertain significance as there is insufficient evidence to determine its impact on protein function and/or cancer risk.

Women's Health and Genetics/Laboratory Corporation of America, LabCorp
Classification: Uncertain significance. Last evaluated: 2022-05-30. Review status: criteria provided, single submitter. Criteria: LabCorp Variant Classification Summary - May 2015. Collection method: clinical testing. Allele origin: germline.
Comment: Variant summary: CDH1 c.2254G>A (p.Val752Ile) results in a conservative amino acid change located in the Cadherin, cytoplasmic domain of the encoded protein sequence. Four of five in-silico tools predict a benign effect of the variant on protein function. The variant allele was found at a frequency of 4e-06 in 251480 control chromosomes. The available data on variant occurrences in the general population are insufficient to allow any conclusion about variant significance. c.2254G>A has been reported in the literature in an individual affected with Breast Cancer (Adedokun_2020). This report does not provide unequivocal conclusions about association of the variant with Breast Cancer. To our knowledge, no experimental evidence demonstrating an impact on protein function has been reported. Five clinical diagnostic laboratories have submitted clinical-significance assessments for this variant to ClinVar after 2014 without evidence for independent evaluation. All laboratories classified the variant as uncertain significance. Based on the evidence outlined above, the variant was classified as uncertain significance.

GeneDx
Classification: Uncertain significance. Last evaluated: 2017-10-27. Review status: criteria provided, single submitter. Criteria: GeneDx Variant Classification (06012015). Collection method: clinical testing. Allele origin: germline. Affected: yes.
Comment: This variant is denoted CDH1 c.2254G>A at the cDNA level, p.Val752Ile (V752I) at the protein level, and results in the change of a Valine to an Isoleucine (GTT>ATT). This variant has not, to our knowledge, been published in the literature as pathogenic or benign. CDH1 Val752Ile was not observed at a significant allele frequency in large population cohorts (Lek 2016). Since Valine and Isoleucine share similar properties, this is considered a conservative amino acid substitution. CDH1 Val752Ile occurs at a position where amino acids with properties similar to Valine are tolerated across species and is located in the cytoplasmic domain (Brooks-Wilson 2004, Figueiredo 2013). In silico analyses are inconsistent regarding the effect this variant may have on protein structure and function. Based on currently available evidence, it is unclear whether CDH1 Val752Ile is a pathogenic or benign variant. We consider it to be a variant of uncertain significance.

Counsyl
Classification: Uncertain significance for Hereditary diffuse gastric adenocarcinoma. Last evaluated: 2017-04-04. Review status: no assertion criteria provided. Collection method: clinical testing. Allele origin: unknown. Not counted in ClinVar's aggregate classification.

Literature cited by the submitters: PubMed 31871109 (cited by 3 submitters).

NM_004360.5(CDH1):c.2254G>A (p.Val752Ile)

Gene: CDH1 (cadherin 1; plus strand). Cytogenetic location: 16q22.1.
Variant type: single nucleotide variant.
Coding change: c.2254G>A on transcript NM_004360.5 (MANE Select); coding-DNA position 2254, G replaced by A.
Protein change: p.Val752Ile; replaces valine 752 with isoleucine.
Molecular consequence: missense variant.
Genome position (GRCh38, 1-based): chr16:68,828,263, G>A. VCF-style: chr16-68828263-G-A. GRCh37 (hg19) VCF-style: chr16-68862166-G-A.
Other names: c.2254G>A (LRG_301t1); c.2071G>A, p.Val691Ile (NM_001317184.2); c.706G>A, p.Val236Ile (NM_001317185.2); c.289G>A, p.Val97Ile (NM_001317186.2); short protein forms V752I, V691I, V97I, V236I.
Identifiers: ClinVar variation 140895 (VCV000140895.25), dbSNP rs587781351, ClinGen allele CA163869.